The following is an entry in ClinVar:

NM_001388492.1(HTT):c.6310G>A (p.Val2104Ile)

Gene: HTT (huntingtin; plus strand). Cytogenetic location: 4p16.3.
Variant type: single nucleotide variant.
Coding change: c.6310G>A on transcript NM_001388492.1 (MANE Select); coding-DNA position 6310, G replaced by A.
Protein change: p.Val2104Ile; replaces valine 2104 with isoleucine.
Molecular consequence: missense variant.
Genome position (GRCh38, 1-based): chr4:3,209,845, G>A. VCF-style: chr4-3209845-G-A. GRCh37 (hg19) VCF-style: chr4-3211572-G-A.
Other names: c.6316G>A, p.Val2106Ile (NM_002111.8); short protein forms V2104I, V2106I.
Identifiers: ClinVar variation 3768199 (VCV003768199.1).

ClinVar aggregate classification (germline): Uncertain significance (1 of 4 stars; one submission).

gnomAD v4.1: 23 of 1,613,916 alleles (0.0014%); highest among the groups gnomAD compares: African/African-American, 0.02%; no homozygotes.

Submission:

Women's Health and Genetics/Laboratory Corporation of America, LabCorp
Classification: Uncertain significance. Last evaluated: 2024-12-31. Review status: criteria provided, single submitter. Criteria: LabCorp Variant Classification Summary - May 2015. Collection method: clinical testing. Allele origin: germline.
Comment: Variant summary: HTT c.6310G>A (p.Val2104Ile) results in a conservative amino acid change in the encoded protein sequence. Two of three in-silico tools predict a benign effect of the variant on protein function. The variant allele was found at a frequency of 1.6e-05 in 249542 control chromosomes. The available data on variant occurrences in the general population are insufficient to allow any conclusion about variant significance. To our knowledge, no occurrence of c.6310G>A in individuals affected with Huntington Disease and no experimental evidence demonstrating its impact on protein function have been reported. No submitters have cited clinical-significance assessments for this variant to ClinVar. Based on the evidence outlined above, the variant was classified as uncertain significance.